The following is an entry in ClinVar:

NM_207341.4(ZP1):c.217_221del (p.Asp73fs)

Gene: ZP1 (zona pellucida glycoprotein 1; plus strand). Cytogenetic location: 11q12.2.
Variant type: Deletion.
Coding change: c.217_221del on transcript NM_207341.4 (MANE Select); coding-DNA positions 217 to 221, 5 bases deleted (GATGT; older notation c.217_221delGATGT).
Protein change: p.Asp73fs; shifts the reading frame from aspartic acid 73.
Molecular consequence: frameshift variant.
Genome position (GRCh38, 1-based): chr11:60,869,165-60,869,169, GATGT deleted; deleting any 5 consecutive bases within chr11:60,869,164-60,869,169 gives the same sequence; the c. name uses the placement nearest the transcript's 3' end. VCF-style (leftmost placement, unchanged base first): chr11-60869163-TTGATG-T. GRCh37 (hg19) VCF-style: chr11-60636636-TTGATG-T.
Other names: short protein forms D73fs.
Identifiers: ClinVar variation 4850340 (VCV004850340.1).
Genomic context (GRCh38, chr11:60,869,163, plus strand): 5'-CACCCTTCAACATCCCTGGCCCCTCCCCTTCCCCCACTGCAGATGAATTTGGGAACCGAT[TTGATG>T]TCAACAACTGCTCCATCTGCTACCACTGGGTCACCTCCAGGCCGCAGGAGCCTGCAGTCT-3'

ClinVar aggregate classification (germline): Likely pathogenic (1 of 4 stars; one submission).

Conditions:
Female infertility due to zona pellucida defect (OZEMA1). Also called: Oocyte maturation defect 1; OOCYTE/ZYGOTE/EMBRYO MATURATION ARREST 1. Identifiers: Orphanet 404466, MedGen C4014291, MONDO:0014342, OMIM 615774.

Submission:

First Genomix Gene Laboratory, Genetic Diagnostics Department
Classification: Likely pathogenic for Female infertility due to zona pellucida defect. Last evaluated: 2025-09-17. Review status: criteria provided, single submitter. Criteria: ACMG Guidelines, 2015. Collection method: clinical testing. Allele origin: germline. Inheritance: Autosomal recessive inheritance. Affected: no. Observed: 1 variant allele.